The following is an entry in ClinVar:

ClinVar aggregate classification (germline): Uncertain significance. Review status: criteria provided, multiple submitters, no conflicts (2 of 4 stars). 2 submissions from 2 submitters: Uncertain significance (2). Last evaluated 2024-01-25.

Conditions:
Aortic valve disease 2 (AOVD2). Identifiers: MedGen C3542024, MONDO:0013902, OMIM 614823.

Submissions (2):

Labcorp Genetics (formerly Invitae), Labcorp
Classification: Uncertain significance for Aortic valve disease 2. Last evaluated: 2024-01-25. Review status: criteria provided, single submitter. Criteria: Invitae Variant Classification Sherloc (09022015). Collection method: clinical testing. Allele origin: germline.
Comment: This sequence change creates a premature translational stop signal (p.Arg91Glufs*30) in the SMAD6 gene. It is expected to result in an absent or disrupted protein product. However, the current clinical and genetic evidence is not sufficient to establish whether loss-of-function variants in SMAD6 cause disease. This variant is not present in population databases (gnomAD no frequency). This variant has not been reported in the literature in individuals affected with SMAD6-related conditions. ClinVar contains an entry for this variant (Variation ID: 1001324). In summary, the available evidence is currently insufficient to determine the role of this variant in disease. Therefore, it has been classified as a Variant of Uncertain Significance.

Blueprint Genetics
Classification: Uncertain significance. Last evaluated: 2021-12-20. Review status: criteria provided, single submitter. Criteria: ACMG Guidelines, 2015. Collection method: clinical testing. Allele origin: germline.

NM_005585.5(SMAD6):c.263dup (p.Arg91fs)

Gene: SMAD6 (SMAD family member 6; plus strand). Cytogenetic location: 15q22.31.
Variant type: Duplication.
Coding change: c.263dup on transcript NM_005585.5 (MANE Select); coding-DNA position 263, one base duplicated (G; older notation c.263dupG).
Protein change: p.Arg91fs; shifts the reading frame from arginine 91.
Molecular consequence: frameshift variant. On other transcripts: non-coding transcript variant (1).
Genome position (GRCh38, 1-based): chr15:66,703,521, G duplicated; the last of 5 consecutive G bases (chr15:66,703,517-66,703,521); duplicating any one gives the same sequence. VCF-style (leftmost placement, unchanged base first): chr15-66703516-A-AG. GRCh37 (hg19) VCF-style: chr15-66995854-A-AG.
Other names: short protein forms R91fs.
Identifiers: ClinVar variation 1001324 (VCV001001324.7), dbSNP rs1199495614, ClinGen allele CA2184198437.